The following is an entry in ClinVar:

NM_024598.4(USB1):c.778T>G (p.Phe260Val)

Gene: USB1 (U6 snRNA biogenesis phosphodiesterase 1; plus strand). Cytogenetic location: 16q21.
Variant type: single nucleotide variant.
Coding change: c.778T>G on transcript NM_024598.4 (MANE Select); coding-DNA position 778, T replaced by G.
Protein change: p.Phe260Val; replaces phenylalanine 260 with valine.
Molecular consequence: missense variant.
Genome position (GRCh38, 1-based): chr16:58,020,225, T>G. VCF-style: chr16-58020225-T-G. GRCh37 (hg19) VCF-style: chr16-58054129-T-G.
Other names: c.724T>G, p.Phe242Val (NM_001195302.2); c.625T>G, p.Phe209Val (NM_001330568.2); short protein forms F242V, F209V, F260V.
Identifiers: ClinVar variation 4634216 (VCV004634216.1).
Genomic context (GRCh38, chr16:58,020,225, plus strand): 5'-GCTGAGGTGCTGCTGCGCGTGCACACTGAGCAAGTCCGCTGCAAGTCTGGGAACAAGTTC[T>G]TCTCGATGCCTTTGAAGTGAGCACCAGAGGCCTTCCTCCTCCAGGGCCCTCTGCAGACCA-3'
Protein context (NP_078874.2, residues 250-265): QVRCKSGNKF[Phe260Val]SMPLK

ClinVar aggregate classification (germline): Uncertain significance (1 of 4 stars; one submission).

Conditions:
Inborn genetic diseases. Identifiers: MedGen C0950123, MeSH D030342.

gnomAD v4.1: 1 of 1,614,054 alleles (0.000062%); highest among the groups gnomAD compares: Admixed American, 0.0017%; no homozygotes.

Submission:

Ambry Genetics
Classification: Uncertain significance for Inborn genetic diseases. Last evaluated: 2025-11-25. Review status: criteria provided, single submitter. Criteria: Ambry Variant Classification Scheme 2023. Collection method: clinical testing. Allele origin: germline.
Comment: The p.F260V variant (also known as c.778T>G), located in coding exon 7 of the USB1 gene, results from a T to G substitution at nucleotide position 778. The phenylalanine at codon 260 is replaced by valine, an amino acid with highly similar properties. This amino acid position is conserved. In addition, this alteration is predicted to be deleterious by in silico analysis. Based on the available evidence, the clinical significance of this variant remains unclear.